The following is an entry in ClinVar:

NM_001129.5(AEBP1):c.236C>G (p.Pro79Arg)

Gene: AEBP1 (AE binding protein 1; plus strand). Cytogenetic location: 7p13.
Variant type: single nucleotide variant.
Coding change: c.236C>G on transcript NM_001129.5 (MANE Select); coding-DNA position 236, C replaced by G.
Protein change: p.Pro79Arg; replaces proline 79 with arginine.
Molecular consequence: missense variant.
Genome position (GRCh38, 1-based): chr7:44,104,901, C>G. VCF-style: chr7-44104901-C-G. GRCh37 (hg19) VCF-style: chr7-44144500-C-G.
Other names: short protein forms P79R.
Identifiers: ClinVar variation 1953275 (VCV001953275.5), dbSNP rs773952615, ClinGen allele CA4237435.

ClinVar aggregate classification (germline): Uncertain significance (1 of 4 stars; one submission).

Allele frequency attached by ClinVar (database versions not stated): TOPMed below 0.00001; gnomAD 0.00001; ExAC 0.00008.
gnomAD v4.1: 6 of 1,545,590 alleles (0.00039%); highest among the groups gnomAD compares: South Asian, 0.0071%; no homozygotes.

Submission:

Labcorp Genetics (formerly Invitae), Labcorp
Classification: Uncertain significance. Last evaluated: 2022-03-04. Review status: criteria provided, single submitter. Criteria: Invitae Variant Classification Sherloc (09022015). Collection method: clinical testing. Allele origin: germline.
Comment: This sequence change replaces proline, which is neutral and non-polar, with arginine, which is basic and polar, at codon 79 of the AEBP1 protein (p.Pro79Arg). In summary, the available evidence is currently insufficient to determine the role of this variant in disease. Therefore, it has been classified as a Variant of Uncertain Significance. Algorithms developed to predict the effect of missense changes on protein structure and function are either unavailable or do not agree on the potential impact of this missense change (SIFT: "Tolerated"; PolyPhen-2: "Not Available"; Align-GVGD: "Class C0"). This variant has not been reported in the literature in individuals affected with AEBP1-related conditions. This variant is present in population databases (rs773952615, gnomAD 0.009%).